The following is an entry in ClinVar:

ClinVar aggregate classification (germline): Uncertain significance. Review status: criteria provided, multiple submitters, no conflicts (2 of 4 stars). 2 submissions from 2 submitters: Uncertain significance (2). Last evaluated 2024-01-18.

Conditions:
Cardiomyopathy (CMYO). Also called: Cardiomyopathies. Identifiers: Orphanet 167848, MedGen C0878544, MONDO:0004994, HP:0001638. Inheritance: Various modes of inheritance.

gnomAD v4.1: 4 of 1,613,360 alleles (0.00025%); highest among the groups gnomAD compares: South Asian, 0.0033%; no homozygotes.

Submissions (2):

GeneDx
Classification: Uncertain significance. Last evaluated: 2024-01-18. Review status: criteria provided, single submitter. Criteria: GeneDx Variant Classification Process June 2021. Collection method: clinical testing. Allele origin: germline. Affected: yes.
Comment: Not observed at significant frequency in large population cohorts (gnomAD); Missense variant in a gene in which most reported pathogenic variants are truncating/loss of function; Has not been previously published as pathogenic or benign to our knowledge

CHEO Genetics Diagnostic Laboratory, Children's Hospital of Eastern Ontario
Classification: Uncertain significance for Cardiomyopathy. Last evaluated: 2017-03-01. Review status: criteria provided, single submitter. Criteria: ACMG Guidelines, 2015. Collection method: clinical testing. Allele origin: germline. Study: Canadian Open Genetics Repository.

NM_001267550.2(TTN):c.42918C>G (p.Asp14306Glu)

Gene: TTN (titin; minus strand). Cytogenetic location: 2q31.2.
Variant type: single nucleotide variant.
Coding change: c.42918C>G on transcript NM_001267550.2 (MANE Select); coding-DNA position 42918, C replaced by G.
Protein change: p.Asp14306Glu; replaces aspartic acid 14306 with glutamic acid.
Molecular consequence: missense variant.
Genome position (GRCh38, 1-based): chr2:178,633,441, G>C on the plus strand (C>G on the coding strand, the complement: TTN is on the minus strand). VCF-style: chr2-178633441-G-C. GRCh37 (hg19) VCF-style: chr2-179498168-G-C.
Other names: c.37995C>G, p.Asp12665Glu (NM_001256850.1); c.15723C>G, p.Asp5241Glu (NM_003319.4); c.35214C>G, p.Asp11738Glu (NM_133378.4); c.16098C>G, p.Asp5366Glu (NM_133432.3); c.16299C>G, p.Asp5433Glu (NM_133437.4); c.42918C>G (NM_001267550.1); short protein forms D12665E, D14306E, D5433E, D5241E, D5366E, D11738E.
Identifiers: ClinVar variation 626437 (VCV000626437.3), dbSNP rs537375897, ClinGen allele CA1995993.